The following is an entry in ClinVar:

NM_003622.4(PPFIBP1):c.2350C>T (p.Arg784Trp)

Gene: PPFIBP1 (PPFIB scaffold protein 1; plus strand). Cytogenetic location: 12p11.22.
Variant type: single nucleotide variant.
Coding change: c.2350C>T on transcript NM_003622.4 (MANE Select); coding-DNA position 2350, C replaced by T.
Protein change: p.Arg784Trp; replaces arginine 784 with tryptophan.
Molecular consequence: missense variant.
Genome position (GRCh38, 1-based): chr12:27,687,487, C>T. VCF-style: chr12-27687487-C-T. GRCh37 (hg19) VCF-style: chr12-27840420-C-T.
Other names: c.1909C>T, p.Arg637Trp (NM_001198915.2); c.2275C>T, p.Arg759Trp (NM_001198916.2); c.2368C>T, p.Arg790Trp (NM_177444.3); c.2368C>T (NM_177444.2); short protein forms R637W, R759W, R784W, R790W.
Identifiers: ClinVar variation 3904822 (VCV003904822.11).

ClinVar aggregate classification (germline): Likely benign. Review status: criteria provided, multiple submitters, no conflicts (2 of 4 stars). 2 submissions from 2 submitters: Likely benign (2). Last evaluated 2026-03-31.

Conditions:
PPFIBP1-related disorder. Also called: PPFIBP1-related condition.

gnomAD v4.1: 2,640 of 1,613,776 alleles (0.16%); highest among the groups gnomAD compares: Admixed American, 0.44%; 5 homozygotes.

Submissions (2):

PreventionGenetics, part of Exact Sciences
Classification: Likely benign for PPFIBP1-related condition. Last evaluated: 2026-03-31. Review status: criteria provided, single submitter. Criteria: ACMG Guidelines, 2015. Collection method: clinical testing. Allele origin: germline.
Comment: This variant is classified as likely benign based on ACMG/AMP sequence variant interpretation guidelines (Richards et al. 2015 PMID: 25741868, with internal and published modifications).

CeGaT Center for Human Genetics Tuebingen
Classification: Likely benign. Last evaluated: 2025-12-01. Review status: criteria provided, single submitter. Criteria: CeGaT Center For Human Genetics Tuebingen Variant Classification Criteria Version 2. Collection method: clinical testing. Allele origin: germline. Affected: yes. Observed: 3 variant alleles.
Comment: PPFIBP1: BS2